The following is an entry in ClinVar:

NM_173493.3(PASD1):c.958A>G (p.Met320Val)

Gene: PASD1 (PAS domain containing repressor 1; plus strand). Cytogenetic location: Xq28.
Variant type: single nucleotide variant.
Coding change: c.958A>G on transcript NM_173493.3 (MANE Select); coding-DNA position 958, A replaced by G.
Protein change: p.Met320Val; replaces methionine 320 with valine.
Molecular consequence: missense variant.
Genome position (GRCh38, 1-based): chrX:151,664,235, A>G. VCF-style: chrX-151664235-A-G. GRCh37 (hg19) VCF-style: chrX-150832707-A-G.
Other names: c.958A>G (NM_173493.2); short protein forms M320V.
Identifiers: ClinVar variation 2661644 (VCV002661644.25), dbSNP rs202122336, ClinGen allele CA10540903.

ClinVar aggregate classification (germline): Conflicting classifications of pathogenicity. Review status: criteria provided, conflicting classifications (1 of 4 stars). 2 submissions from 2 submitters: Uncertain significance (1); Benign (1). Last evaluated 2025-08-04.

Allele frequency attached by ClinVar (database versions not stated): gnomAD exomes 0.00015; gnomAD 0.00031; TOPMed 0.00061; 1000 Genomes Project 0.00238; ExAC 0.00009.
gnomAD v4.1: 208 of 1,199,332 alleles (0.017%); highest among the groups gnomAD compares: Admixed American, 0.097%; no homozygotes.

Submissions (2):

Ambry Genetics
Classification: Uncertain significance. Last evaluated: 2025-08-04. Review status: criteria provided, single submitter. Criteria: Ambry Variant Classification Scheme 2023. Collection method: clinical testing. Allele origin: germline.

CeGaT Center for Human Genetics Tuebingen
Classification: Benign. Last evaluated: 2022-05-01. Review status: criteria provided, single submitter. Criteria: CeGaT Center For Human Genetics Tuebingen Variant Classification Criteria Version 2. Collection method: clinical testing. Allele origin: germline. Affected: yes. Observed: 1 variant allele.
Comment: PASD1: BP4, BS1, BS2